The following is an entry in ClinVar:

NM_001184.4(ATR):c.7356T>G (p.Ser2452Arg)

Gene: ATR (ATR checkpoint kinase; minus strand). Cytogenetic location: 3q23.
Variant type: single nucleotide variant.
Coding change: c.7356T>G on transcript NM_001184.4 (MANE Select); coding-DNA position 7356, T replaced by G.
Protein change: p.Ser2452Arg; replaces serine 2452 with arginine.
Molecular consequence: missense variant.
Genome position (GRCh38, 1-based): chr3:142,459,105, A>C on the plus strand (T>G on the coding strand, the complement: ATR is on the minus strand). VCF-style: chr3-142459105-A-C. GRCh37 (hg19) VCF-style: chr3-142177947-A-C.
Other names: c.7164T>G, p.Ser2388Arg (NM_001354579.2); short protein forms S2388R, S2452R.
Identifiers: ClinVar variation 2453571 (VCV002453571.2), dbSNP rs2108260673, ClinGen allele CA354796380.

ClinVar aggregate classification (germline): Uncertain significance (1 of 4 stars; one submission).

Conditions:
Inborn genetic diseases. Identifiers: MedGen C0950123, MeSH D030342.

Submission:

Ambry Genetics
Classification: Uncertain significance for Inborn genetic diseases. Last evaluated: 2023-01-16. Review status: criteria provided, single submitter. Criteria: Ambry Variant Classification Scheme 2023. Collection method: clinical testing. Allele origin: germline.
Comment: The p.S2452R variant (also known as c.7356T>G), located in coding exon 44 of the ATR gene, results from a T to G substitution at nucleotide position 7356. The serine at codon 2452 is replaced by arginine, an amino acid with dissimilar properties. This amino acid position is conserved. In addition, this alteration is predicted to be tolerated by in silico analysis. Since supporting evidence is limited at this time, the clinical significance of this alteration remains unclear.